The following is an entry in ClinVar:

NM_000257.4(MYH7):c.902T>C (p.Leu301Pro)

Gene: MYH7 (myosin heavy chain 7; minus strand). Cytogenetic location: 14q11.2.
Variant type: single nucleotide variant.
Coding change: c.902T>C on transcript NM_000257.4 (MANE Select); coding-DNA position 902, T replaced by C.
Protein change: p.Leu301Pro; replaces leucine 301 with proline.
Molecular consequence: missense variant.
Genome position (GRCh38, 1-based): chr14:23,430,657, A>G on the plus strand (T>C on the coding strand, the complement: MYH7 is on the minus strand). VCF-style: chr14-23430657-A-G. GRCh37 (hg19) VCF-style: chr14-23899866-A-G.
Other names: c.902T>C, p.Leu301Pro (NM_001407004.1); short protein forms L301P.
Identifiers: ClinVar variation 3400956 (VCV003400956.2).

ClinVar aggregate classification (germline): Uncertain significance. Review status: criteria provided, multiple submitters, no conflicts (2 of 4 stars). 2 submissions from 2 submitters: Uncertain significance (2). Last evaluated 2025-10-05.

Conditions:
Cardiovascular phenotype. Identifiers: MedGen CN230736.
Hypertrophic cardiomyopathy. Also called: HYPERTROPHIC MYOCARDIOPATHY. Identifiers: Orphanet 217569, MedGen C0007194, MeSH D002312, MONDO:0005045, HP:0001639.

Submissions (2):

Labcorp Genetics (formerly Invitae), Labcorp
Classification: Uncertain significance for Hypertrophic cardiomyopathy. Last evaluated: 2025-10-05. Review status: criteria provided, single submitter. Criteria: Invitae Variant Classification Sherloc (09022015). Collection method: clinical testing. Allele origin: germline.
Comment: This sequence change replaces leucine, which is neutral and non-polar, with proline, which is neutral and non-polar, at codon 301 of the MYH7 protein (p.Leu301Pro). This variant is not present in population databases (gnomAD no frequency). This variant has not been reported in the literature in individuals affected with MYH7-related conditions. ClinVar contains an entry for this variant (Variation ID: 3400956). Invitae Evidence Modeling of protein sequence and biophysical properties (such as structural, functional, and spatial information, amino acid conservation, physicochemical variation, residue mobility, and thermodynamic stability) indicates that this missense variant is expected to disrupt MYH7 protein function with a positive predictive value of 95%. This variant disrupts the p.Leu301 amino acid residue in MYH7. Other variant(s) that disrupt this residue have been determined to be pathogenic (internal data). This suggests that this residue is clinically significant, and that variants that disrupt this residue are likely to be disease-causing. In summary, the available evidence is currently insufficient to determine the role of this variant in disease. Therefore, it has been classified as a Variant of Uncertain Significance.

Ambry Genetics
Classification: Uncertain significance for Cardiovascular phenotype. Last evaluated: 2024-09-12. Review status: criteria provided, single submitter. Criteria: Ambry Variant Classification Scheme 2023. Collection method: clinical testing. Allele origin: germline.
Comment: The c.902T>C (p.L301P) alteration is located in exon 11 (coding exon 9) of the MYH7 gene. This alteration results from a T to C substitution at nucleotide position 902, causing the leucine (L) at amino acid position 301 to be replaced by a proline (P). This variant was not reported in population-based cohorts in the Genome Aggregation Database (gnomAD). This amino acid position is well conserved in available vertebrate species. This alteration is predicted to be deleterious by in silico analysis. Based on insufficient or conflicting evidence, the clinical significance of this alteration remains unclear.